The following is an entry in ClinVar:

NM_003413.4(ZIC3):c.690G>A (p.Val230=)

Gene: ZIC3 (Zic family zinc finger 3; plus strand). Cytogenetic location: Xq26.3.
Variant type: single nucleotide variant.
Coding change: c.690G>A on transcript NM_003413.4 (MANE Select); coding-DNA position 690, G replaced by A.
Protein change: p.Val230=; no amino-acid change (valine 230 retained).
Molecular consequence: synonymous variant.
Genome position (GRCh38, 1-based): chrX:137,567,381, G>A. VCF-style: chrX-137567381-G-A. GRCh37 (hg19) VCF-style: chrX-136649540-G-A.
Other names: c.690G>A, p.Val230= (NM_001330661.1).
Identifiers: ClinVar variation 3778181 (VCV003778181.7).

ClinVar aggregate classification (germline): Likely benign (1 of 4 stars; one submission).

Submission:

CeGaT Center for Human Genetics Tuebingen
Classification: Likely benign. Last evaluated: 2025-03-01. Review status: criteria provided, single submitter. Criteria: CeGaT Center For Human Genetics Tuebingen Variant Classification Criteria Version 2. Collection method: clinical testing. Allele origin: germline. Affected: yes. Observed: 1 variant allele.
Comment: ZIC3: BP4, BP7